The following is an entry in ClinVar:

NM_003924.4(PHOX2B):c.383G>T (p.Arg128Leu)

Gene: PHOX2B (paired like homeobox 2B; minus strand). Cytogenetic location: 4p13.
Variant type: single nucleotide variant.
Coding change: c.383G>T on transcript NM_003924.4 (MANE Select); coding-DNA position 383, G replaced by T.
Protein change: p.Arg128Leu; replaces arginine 128 with leucine.
Molecular consequence: missense variant.
Genome position (GRCh38, 1-based): chr4:41,747,395, C>A on the plus strand (G>T on the coding strand, the complement: PHOX2B is on the minus strand). VCF-style: chr4-41747395-C-A. GRCh37 (hg19) VCF-style: chr4-41749412-C-A.
Other names: short protein forms R128L.
Identifiers: ClinVar variation 5026553 (VCV005026553.1).

ClinVar aggregate classification (germline): Uncertain significance (1 of 4 stars; one submission).

Conditions:
Hereditary cancer-predisposing syndrome. Also called: Neoplastic Syndromes, Hereditary; Tumor predisposition; Hereditary neoplastic syndrome; Hereditary Cancer Syndrome. Identifiers: Orphanet 140162, MedGen C0027672, MeSH D009386, MONDO:0015356.

Submission:

Ambry Genetics
Classification: Uncertain significance for Hereditary cancer-predisposing syndrome. Last evaluated: 2026-07-06. Review status: criteria provided, single submitter. Criteria: Ambry Variant Classification Scheme 2023. Collection method: clinical testing. Allele origin: germline.
Comment: The p.R128L variant (also known as c.383G>T), located in coding exon 2 of the PHOX2B gene, results from a G to T substitution at nucleotide position 383. The arginine at codon 128 is replaced by leucine, an amino acid with dissimilar properties. This amino acid position is conserved. In addition, this alteration is predicted to be deleterious by in silico analysis. Based on the available evidence, the clinical significance of this variant remains unclear.